The following is an entry in ClinVar:

NM_198531.5(ATP9B):c.1682G>A (p.Arg561Gln)

Gene: ATP9B (ATPase phospholipid transporting 9B; plus strand). Cytogenetic location: 18q23.
Variant type: single nucleotide variant.
Coding change: c.1682G>A on transcript NM_198531.5 (MANE Select); coding-DNA position 1682, G replaced by A.
Protein change: p.Arg561Gln; replaces arginine 561 with glutamine.
Molecular consequence: missense variant. On other transcripts: non-coding transcript variant (1).
Genome position (GRCh38, 1-based): chr18:79,307,143, G>A. VCF-style: chr18-79307143-G-A. GRCh37 (hg19) VCF-style: chr18-77067143-G-A.
Other names: c.1682G>A, p.Arg561Gln (NM_001306085.2); short protein forms R561Q.
Identifiers: ClinVar variation 2648823 (VCV002648823.24), dbSNP rs34750827, ClinGen allele CA9007795.

ClinVar aggregate classification (germline): Likely benign (1 of 4 stars; one submission).

Allele frequency attached by ClinVar (database versions not stated): gnomAD exomes 0.00030; ExAC 0.00095; 1000 Genomes Project 0.00220; 1000 Genomes Project 30x 0.00250; gnomAD 0.00259; TOPMed 0.00292; ESP Exome Variant Server 0.00408.
gnomAD v4.1: 847 of 1,614,170 alleles (0.052%); highest among the groups gnomAD compares: African/African-American, 0.92%; 5 homozygotes.

Submission:

CeGaT Center for Human Genetics Tuebingen
Classification: Likely benign. Last evaluated: 2023-04-01. Review status: criteria provided, single submitter. Criteria: CeGaT Center For Human Genetics Tuebingen Variant Classification Criteria Version 2. Collection method: clinical testing. Allele origin: germline. Affected: yes. Observed: 1 variant allele.
Comment: ATP9B: BP4, BS2